The following is an entry in ClinVar:

NM_001267550.2(TTN):c.12583_12586del (p.Asn4195fs)

Gene: TTN (titin; minus strand). Cytogenetic location: 2q31.2.
Variant type: Microsatellite.
Coding change: c.12583_12586del on transcript NM_001267550.2 (MANE Select); coding-DNA positions 12583 to 12586, 4 bases deleted (AATT; older notation c.12583_12586delAATT).
Protein change: p.Asn4195fs; shifts the reading frame from asparagine 4195.
Molecular consequence: frameshift variant. On other transcripts: intron variant (1).
Genome position (GRCh38, 1-based): chr2:178,740,647-178,740,650, AATT deleted on the plus strand (AATT on the coding strand, the reverse complement: TTN is on the minus strand); deleting any 4 consecutive bases within chr2:178,740,647-178,740,654 gives the same sequence; the c. name uses the placement nearest the transcript's 3' end. VCF-style (leftmost placement, unchanged base first): chr2-178740646-GAATT-G. GRCh37 (hg19) VCF-style: chr2-179605373-GAATT-G.
Other names: c.11494_11497del, p.Asn3832fs (NM_003319.4); c.11869_11872del, p.Asn3957fs (NM_133432.3); c.12070_12073del, p.Asn4024fs (NM_133437.4); c.10361-2290_10361-2287del (NM_133378.4); c.11632_11635del, p.Asn3878fs (NM_001256850.1); short protein forms N3832fs, N3878fs, N3957fs, N4024fs, N4195fs.
Identifiers: ClinVar variation 1025667 (VCV001025667.11), dbSNP rs2082328931, ClinGen allele CA1310601551.

ClinVar aggregate classification (germline): Likely pathogenic (1 of 4 stars; one submission).

Conditions:
Dilated cardiomyopathy 1G (CMD1G). Identifiers: Orphanet 154, MedGen C1858763, MONDO:0011400, OMIM 604145.
Autosomal recessive limb-girdle muscular dystrophy type 2J (LGMDR10). Also called: MUSCULAR DYSTROPHY, LIMB-GIRDLE, AUTOSOMAL RECESSIVE 10; Limb-girdle muscular dystrophy, type 2J. Identifiers: Orphanet 140922, MedGen C1837342, MONDO:0012127, OMIM 608807.

Submission:

Labcorp Genetics (formerly Invitae), Labcorp
Classification: Likely pathogenic for Dilated cardiomyopathy 1G; Autosomal recessive limb-girdle muscular dystrophy type 2J. Last evaluated: 2024-10-18. Review status: criteria provided, single submitter. Criteria: Invitae Variant Classification Sherloc (09022015). Collection method: clinical testing. Allele origin: germline.
Comment: This sequence change creates a premature translational stop signal (p.Asn4195Hisfs*2) in the TTN gene. While this is not anticipated to result in nonsense mediated decay, it is expected to create a truncated TTN protein. This variant is not present in population databases (gnomAD no frequency). This variant has not been reported in the literature in individuals affected with TTN-related conditions. ClinVar contains an entry for this variant (Variation ID: 1025667). This variant is located in the I band of TTN (PMID: 25589632). Truncating variants in this region have been reported in individuals affected with autosomal recessive centronuclear myopathy (PMID: 23975875, internal data). Truncating variants in this region have also been identified in individuals affected with autosomal dominant dilated cardiomyopathy and/or cardio-related conditions (PMID: 27869827, 32964742, internal data). In summary, the currently available evidence indicates that the variant is pathogenic, but additional data are needed to prove that conclusively. Therefore, this variant has been classified as Likely Pathogenic.

Literature cited by the submitters: PubMed 25589632; PubMed 23975875; PubMed 27869827; PubMed 32964742.